The following is an entry in ClinVar:

NM_001379659.1(ZNF142):c.3467T>A (p.Leu1156His)

Gene: ZNF142 (zinc finger protein 142; minus strand). Cytogenetic location: 2q35.
Variant type: single nucleotide variant.
Coding change: c.3467T>A on transcript NM_001379659.1 (MANE Select); coding-DNA position 3467, T replaced by A.
Protein change: p.Leu1156His; replaces leucine 1156 with histidine.
Molecular consequence: missense variant.
Genome position (GRCh38, 1-based): chr2:218,643,649, A>T on the plus strand (T>A on the coding strand, the complement: ZNF142 is on the minus strand). VCF-style: chr2-218643649-A-T. GRCh37 (hg19) VCF-style: chr2-219508372-A-T.
Other names: c.2867T>A, p.Leu956His (NM_001105537.5, NM_001379662.1, NM_001366291.3); c.3467T>A, p.Leu1156His (NM_001379660.1, NM_001379661.1, NM_001366290.3); c.2378T>A, p.Leu793His (NM_001366287.3, NM_001366288.3, NM_001366289.3); short protein forms L1156H, L793H, L956H.
Identifiers: ClinVar variation 1288928 (VCV001288928.4), dbSNP rs3770213, ClinGen allele CA2108997.

ClinVar aggregate classification (germline): Benign. Review status: criteria provided, multiple submitters, no conflicts (2 of 4 stars). 3 submissions from 3 submitters: Benign (2). 1 of the submissions does not count toward it. Last evaluated 2021-05-05.

Conditions:
ZNF142-related disorder. Also called: ZNF142-related condition.

Allele frequency attached by ClinVar (database versions not stated): 1000 Genomes Project 30x 0.19019; ESP Exome Variant Server 0.28560; 1000 Genomes Project 0.19149; gnomAD 0.27969 and 0.28076; gnomAD exomes 0.36494; TOPMed 0.26839.
gnomAD v4.1: 550,382 of 1,548,072 alleles (36%); highest among the groups gnomAD compares: Non-Finnish European, 39%; 104,466 homozygotes.

Submissions (3):

GeneDx
Classification: Benign. Last evaluated: 2021-05-05. Review status: criteria provided, single submitter. Criteria: GeneDx Variant Classification Process June 2021. Collection method: clinical testing. Allele origin: germline. Affected: yes.

Breakthrough Genomics
Classification: Benign. Review status: criteria provided, single submitter. Criteria: ACMG Guidelines, 2015. Collection method: not provided. Allele origin: germline. Inheritance: Autosomal recessive inheritance. Affected: yes.

PreventionGenetics, part of Exact Sciences
Classification: Benign for ZNF142-related condition. Last evaluated: 2019-10-30. Review status: no assertion criteria provided. Collection method: clinical testing. Allele origin: germline. Not counted in ClinVar's aggregate classification.
Comment: This variant is classified as benign based on ACMG/AMP sequence variant interpretation guidelines (Richards et al. 2015 PMID: 25741868, with internal and published modifications).